The following is an entry in ClinVar:

ClinVar aggregate classification (germline): Uncertain significance (1 of 4 stars; one submission).

Conditions:
Combined immunodeficiency with skin granulomas. Identifiers: Orphanet 157949, MedGen C2673536, MONDO:0009306, OMIM 233650.
Severe combined immunodeficiency, autosomal recessive, T cell-negative, B cell-negative, NK cell-positive. Also called: SCID, AR, T-cell negative, B-cell negative, NK cell-positive; SCID, T CELL-NEGATIVE, B CELL-NEGATIVE, NK CELL-POSITIVE; Severe combined immunodeficiency due to complete RAG1/2 deficiency. Identifiers: Orphanet 331206, MedGen C1832322, MONDO:0011086, OMIM 601457.

Submission:

Labcorp Genetics (formerly Invitae), Labcorp
Classification: Uncertain significance for Combined immunodeficiency with skin granulomas; Severe combined immunodeficiency, autosomal recessive, T cell-negative, B cell-negative, NK cell-positive. Last evaluated: 2022-07-19. Review status: criteria provided, single submitter. Criteria: Invitae Variant Classification Sherloc (09022015). Collection method: clinical testing. Allele origin: germline.
Comment: In summary, the available evidence is currently insufficient to determine the role of this variant in disease. Therefore, it has been classified as a Variant of Uncertain Significance. This sequence change replaces isoleucine, which is neutral and non-polar, with valine, which is neutral and non-polar, at codon 155 of the RAG1 protein (p.Ile155Val). This variant is not present in population databases (gnomAD no frequency). This variant has not been reported in the literature in individuals affected with RAG1-related conditions. ClinVar contains an entry for this variant (Variation ID: 1467351). Algorithms developed to predict the effect of missense changes on protein structure and function are either unavailable or do not agree on the potential impact of this missense change (SIFT: "Deleterious"; PolyPhen-2: "Possibly Damaging"; Align-GVGD: "Class C0").

NM_000448.3(RAG1):c.463A>G (p.Ile155Val)

Gene: RAG1 (recombination activating 1; plus strand). Cytogenetic location: 11p12.
Variant type: single nucleotide variant.
Coding change: c.463A>G on transcript NM_000448.3 (MANE Select); coding-DNA position 463, A replaced by G.
Protein change: p.Ile155Val; replaces isoleucine 155 with valine.
Molecular consequence: missense variant.
Genome position (GRCh38, 1-based): chr11:36,573,767, A>G. VCF-style: chr11-36573767-A-G. GRCh37 (hg19) VCF-style: chr11-36595317-A-G.
Other names: c.463A>G, p.Ile155Val (NM_001377277.1, NM_001377278.1, NM_001377279.1 and 1 more transcripts); short protein forms I155V.
Identifiers: ClinVar variation 1467351 (VCV001467351.6), dbSNP rs2133293541, ClinGen allele CA380146604.